The following is an entry in ClinVar:

NM_001032283.3(TMPO):c.565+1905G>T

Gene: TMPO (thymopoietin; plus strand). Cytogenetic location: 12q23.1.
Variant type: single nucleotide variant.
Coding change: c.565+1905G>T on transcript NM_001032283.3 (MANE Select); 1905 bases into the intron after coding-DNA position 565, G replaced by T.
Molecular consequence: intron variant. On other transcripts: nonsense (1).
Genome position (GRCh38, 1-based): chr12:98,533,743, G>T. VCF-style: chr12-98533743-G-T. GRCh37 (hg19) VCF-style: chr12-98927521-G-T.
Other names: c.1486G>T, p.Glu496Ter (NM_003276.2); c.565+1905G>T (NM_001307975.2, NM_001032284.3); short protein forms E496*.
Identifiers: ClinVar variation 1058942 (VCV001058942.7), dbSNP rs2121207714, ClinGen allele CA386153293.

ClinVar aggregate classification (germline): Uncertain significance (1 of 4 stars; one submission).

Conditions:
Loeys-Dietz syndrome 2 (LDS2). Also called: TGFBR2-Related Loeys-Dietz Syndrome; Marfan Syndrome type 2; Marfan like connective tissue disorder; MFS 2; Marfan syndrome, type 2 (formerly); AORTIC ANEURYSM, FAMILIAL THORACIC 3. Identifiers: Orphanet 284973, Orphanet 558, MedGen C2674574, MONDO:0012427, OMIM 610168.

Allele frequency attached by ClinVar (database versions not stated): gnomAD exomes 0.00002.
gnomAD v4.1: 28 of 1,614,126 alleles (0.0017%); highest among the groups gnomAD compares: Non-Finnish European, 0.0024%; no homozygotes.

Submission:

Labcorp Genetics (formerly Invitae), Labcorp
Classification: Uncertain significance for Loeys-Dietz syndrome 2. Last evaluated: 2022-06-02. Review status: criteria provided, single submitter. Criteria: Invitae Variant Classification Sherloc (09022015). Collection method: clinical testing. Allele origin: germline.
Comment: In summary, the available evidence is currently insufficient to determine the role of this variant in disease. Therefore, it has been classified as a Variant of Uncertain Significance. ClinVar contains an entry for this variant (Variation ID: 1058942). This variant has not been reported in the literature in individuals affected with TMPO-related conditions. This variant is not present in population databases (gnomAD no frequency). This sequence change creates a premature translational stop signal (p.Glu496*) in the TMPO gene. While this is not anticipated to result in nonsense mediated decay, it is expected to disrupt the last 199 amino acid(s) of the TMPO protein.